The following is an entry in ClinVar:

NM_015488.5(PNKD):c.404T>C (p.Ile135Thr)

Genes: CATIP-AS2 (CATIP antisense RNA 2; minus strand), PNKD (PNKD metallo-beta-lactamase domain containing; plus strand). Cytogenetic location: 2q35.
Variant type: single nucleotide variant.
Coding change: c.404T>C on transcript NM_015488.5 (MANE Select); coding-DNA position 404, T replaced by C.
Protein change: p.Ile135Thr; replaces isoleucine 135 with threonine.
Molecular consequence: missense variant.
Genome position (GRCh38, 1-based): chr2:218,340,080, T>C. VCF-style: chr2-218340080-T-C. GRCh37 (hg19) VCF-style: chr2-219204803-T-C.
Other names: c.332T>C, p.Ile111Thr (NM_022572.5); short protein forms I111T, I135T.
Identifiers: ClinVar variation 660281 (VCV000660281.12), dbSNP rs1292612483, ClinGen allele CA350538570.

ClinVar aggregate classification (germline): Uncertain significance. Review status: criteria provided, multiple submitters, no conflicts (2 of 4 stars). 2 submissions from 2 submitters: Uncertain significance (2). Last evaluated 2024-02-07.

Conditions:
Paroxysmal nonkinesigenic dyskinesia. Also called: Paroxysmal non-kinesigenic dyskinesia. Identifiers: Orphanet 98810, MedGen C1869117, MONDO:0700088.

Allele frequency attached by ClinVar (database versions not stated): gnomAD exomes 0.00001 and 0.00002; TOPMed 0.00001.
gnomAD v4.1: 26 of 1,613,986 alleles (0.0016%); highest among the groups gnomAD compares: Non-Finnish European, 0.0022%; no homozygotes.

Submissions (2):

Women's Health and Genetics/Laboratory Corporation of America, LabCorp
Classification: Uncertain significance. Last evaluated: 2024-02-07. Review status: criteria provided, single submitter. Criteria: LabCorp Variant Classification Summary - May 2015. Collection method: clinical testing. Allele origin: germline.
Comment: Variant summary: PNKD c.404T>C (p.Ile135Thr) results in a non-conservative amino acid change located in the Metallo-beta-lactamase domain (IPR001279) of the encoded protein sequence. Four of five in-silico tools predict a damaging effect of the variant on protein function. The variant allele was found at a frequency of 8e-06 in 251374 control chromosomes. The available data on variant occurrences in the general population are insufficient to allow any conclusion about variant significance. To our knowledge, no occurrence of c.404T>C in individuals affected with Paroxysmal Nonkinesigenic Dyskinesia 1 and no experimental evidence demonstrating its impact on protein function have been reported. ClinVar contains an entry for this variant (Variation ID: 660281). Based on the evidence outlined above, the variant was classified as uncertain significance.

Labcorp Genetics (formerly Invitae), Labcorp
Classification: Uncertain significance for Paroxysmal nonkinesigenic dyskinesia. Last evaluated: 2024-01-11. Review status: criteria provided, single submitter. Criteria: Invitae Variant Classification Sherloc (09022015). Collection method: clinical testing. Allele origin: germline.
Comment: This sequence change replaces isoleucine, which is neutral and non-polar, with threonine, which is neutral and polar, at codon 135 of the PNKD protein (p.Ile135Thr). This variant is present in population databases (no rsID available, gnomAD 0.002%). This variant has not been reported in the literature in individuals affected with PNKD-related conditions. ClinVar contains an entry for this variant (Variation ID: 660281). Advanced modeling of protein sequence and biophysical properties (such as structural, functional, and spatial information, amino acid conservation, physicochemical variation, residue mobility, and thermodynamic stability) performed at Invitae indicates that this missense variant is expected to disrupt PNKD protein function with a positive predictive value of 80%. In summary, the available evidence is currently insufficient to determine the role of this variant in disease. Therefore, it has been classified as a Variant of Uncertain Significance.